The following is an entry in ClinVar:

NM_017841.4(SDHAF2):c.469G>T (p.Asp157Tyr)

Gene: SDHAF2 (succinate dehydrogenase complex assembly factor 2; plus strand). Cytogenetic location: 11q12.2.
Variant type: single nucleotide variant.
Coding change: c.469G>T on transcript NM_017841.4 (MANE Select); coding-DNA position 469, G replaced by T.
Protein change: p.Asp157Tyr; replaces aspartic acid 157 with tyrosine.
Molecular consequence: missense variant.
Genome position (GRCh38, 1-based): chr11:61,446,039, G>T. VCF-style: chr11-61446039-G-T. GRCh37 (hg19) VCF-style: chr11-61213511-G-T.
Other names: short protein forms D157Y.
Identifiers: ClinVar variation 1374616 (VCV001374616.9), dbSNP rs1862133511, ClinGen allele CA380685510.

ClinVar aggregate classification (germline): Uncertain significance. Review status: criteria provided, multiple submitters, no conflicts (2 of 4 stars). 3 submissions from 3 submitters: Uncertain significance (3). Last evaluated 2024-03-02.

Conditions:
Hereditary pheochromocytoma and paraganglioma. Also called: Hereditary paragangliomas and pheochromocytomas; Hereditary Paraganglioma-Pheochromocytoma Syndromes; Hereditary pheochromocytoma-paraganglioma. Identifiers: Orphanet 29072, MedGen C4274332, MONDO:0017366.
Hereditary cancer-predisposing syndrome. Also called: Tumor predisposition; Hereditary Cancer Syndrome; Hereditary neoplastic syndrome; Neoplastic Syndromes, Hereditary. Identifiers: Orphanet 140162, MedGen C0027672, MeSH D009386, MONDO:0015356.

Allele frequency attached by ClinVar (database versions not stated): gnomAD 0.00001.
gnomAD v4.1: 1 of 1,614,078 alleles (0.000062%); highest among the groups gnomAD compares: African/African-American, 0.0013%; no homozygotes.

Submissions (3):

Labcorp Genetics (formerly Invitae), Labcorp
Classification: Uncertain significance for Hereditary pheochromocytoma and paraganglioma. Last evaluated: 2024-03-02. Review status: criteria provided, single submitter. Criteria: Invitae Variant Classification Sherloc (09022015). Collection method: clinical testing. Allele origin: germline.
Comment: This sequence change replaces aspartic acid, which is acidic and polar, with tyrosine, which is neutral and polar, at codon 157 of the SDHAF2 protein (p.Asp157Tyr). This variant is not present in population databases (gnomAD no frequency). This variant has not been reported in the literature in individuals affected with SDHAF2-related conditions. ClinVar contains an entry for this variant (Variation ID: 1374616). An algorithm developed to predict the effect of missense changes on protein structure and function (PolyPhen-2) suggests that this variant is likely to be disruptive. In summary, the available evidence is currently insufficient to determine the role of this variant in disease. Therefore, it has been classified as a Variant of Uncertain Significance.

Ambry Genetics
Classification: Uncertain significance for Hereditary cancer-predisposing syndrome. Last evaluated: 2024-02-16. Review status: criteria provided, single submitter. Criteria: Ambry Variant Classification Scheme 2023. Collection method: clinical testing. Allele origin: germline.
Comment: The p.D157Y variant (also known as c.469G>T), located in coding exon 4 of the SDHAF2 gene, results from a G to T substitution at nucleotide position 469. The aspartic acid at codon 157 is replaced by tyrosine, an amino acid with highly dissimilar properties. This amino acid position is well conserved in available vertebrate species. In addition, the in silico prediction for this alteration is inconclusive. Based on the available evidence, the clinical significance of this alteration remains unclear.

GeneDx
Classification: Uncertain significance. Last evaluated: 2022-05-10. Review status: criteria provided, single submitter. Criteria: GeneDx Variant Classification Process June 2021. Collection method: clinical testing. Allele origin: germline. Affected: yes.
Comment: Not observed at significant frequency in large population cohorts (gnomAD); In silico analysis supports that this missense variant has a deleterious effect on protein structure/function; Has not been previously published as pathogenic or benign to our knowledge